The following is an entry in ClinVar:

NM_001032386.2(SUOX):c.1308G>C (p.Glu436Asp)

Gene: SUOX (sulfite oxidase; plus strand). Cytogenetic location: 12q13.2.
Variant type: single nucleotide variant.
Coding change: c.1308G>C on transcript NM_001032386.2 (MANE Select); coding-DNA position 1308, G replaced by C.
Protein change: p.Glu436Asp; replaces glutamic acid 436 with aspartic acid.
Molecular consequence: missense variant.
Genome position (GRCh38, 1-based): chr12:56,004,697, G>C. VCF-style: chr12-56004697-G-C. GRCh37 (hg19) VCF-style: chr12-56398481-G-C.
Other names: c.1308G>C, p.Glu436Asp (NM_000456.3, NM_001032387.2); short protein forms E436D.
Identifiers: ClinVar variation 1512644 (VCV001512644.7), dbSNP rs2136513034, ClinGen allele CA385293249.

ClinVar aggregate classification (germline): Uncertain significance (1 of 4 stars; one submission).

Conditions:
Sulfite oxidase deficiency. Also called: Isolated sulfite oxidase deficiency. Identifiers: Orphanet 833, Orphanet 99731, MedGen C0268624, MONDO:0010089, OMIM 272300, HP:0003643.

Submission:

Labcorp Genetics (formerly Invitae), Labcorp
Classification: Uncertain significance for Sulfite oxidase deficiency. Last evaluated: 2022-06-03. Review status: criteria provided, single submitter. Criteria: Invitae Variant Classification Sherloc (09022015). Collection method: clinical testing. Allele origin: germline.
Comment: This sequence change replaces glutamic acid, which is acidic and polar, with aspartic acid, which is acidic and polar, at codon 436 of the SUOX protein (p.Glu436Asp). This variant is not present in population databases (gnomAD no frequency). This variant has not been reported in the literature in individuals affected with SUOX-related conditions. ClinVar contains an entry for this variant (Variation ID: 1512644). Algorithms developed to predict the effect of missense changes on protein structure and function (SIFT, PolyPhen-2, Align-GVGD) all suggest that this variant is likely to be tolerated. In summary, the available evidence is currently insufficient to determine the role of this variant in disease. Therefore, it has been classified as a Variant of Uncertain Significance.